The following is an entry in ClinVar:

ClinVar aggregate classification (germline): Uncertain significance (1 of 4 stars; one submission).

Allele frequency attached by ClinVar (database versions not stated): gnomAD exomes below 0.00001.
gnomAD v4.1: 1 of 1,612,564 alleles (0.000062%); highest among the groups gnomAD compares: Non-Finnish European, 0.000085%; no homozygotes.

Submission:

Ambry Genetics
Classification: Uncertain significance. Last evaluated: 2024-09-12. Review status: criteria provided, single submitter. Criteria: Ambry Variant Classification Scheme 2023. Collection method: clinical testing. Allele origin: germline.
Comment: The p.G1017S variant (also known as c.3049G>A), located in coding exon 24 of the BUB1 gene, results from a G to A substitution at nucleotide position 3049. The glycine at codon 1017 is replaced by serine, an amino acid with similar properties. This amino acid position is conserved. In addition, the in silico prediction for this alteration is inconclusive. Since supporting evidence is limited at this time, the clinical significance of this alteration remains unclear.

NM_004336.5(BUB1):c.3049G>A (p.Gly1017Ser)

Gene: BUB1 (BUB1 mitotic checkpoint serine/threonine kinase; minus strand). Cytogenetic location: 2q13.
Variant type: single nucleotide variant.
Coding change: c.3049G>A on transcript NM_004336.5 (MANE Select); coding-DNA position 3049, G replaced by A.
Protein change: p.Gly1017Ser; replaces glycine 1017 with serine.
Molecular consequence: missense variant.
Genome position (GRCh38, 1-based): chr2:110,639,755, C>T on the plus strand (G>A on the coding strand, the complement: BUB1 is on the minus strand). VCF-style: chr2-110639755-C-T. GRCh37 (hg19) VCF-style: chr2-111397332-C-T.
Other names: c.2989G>A, p.Gly997Ser (NM_001278616.2); c.2878G>A, p.Gly960Ser (NM_001278617.2); short protein forms G997S, G1017S, G960S.
Identifiers: ClinVar variation 1799222 (VCV001799222.3), dbSNP rs1352966962, ClinGen allele CA348088688.